The following is an entry in ClinVar:

NM_001148.6(ANK2):c.10076A>G (p.Gln3359Arg)

Gene: ANK2 (ankyrin 2; plus strand). Cytogenetic location: 4q26.
Variant type: single nucleotide variant.
Coding change: c.10076A>G on transcript NM_001148.6 (MANE Select); coding-DNA position 10076, A replaced by G.
Protein change: p.Gln3359Arg; replaces glutamine 3359 with arginine.
Molecular consequence: missense variant. On other transcripts: intron variant (68).
Genome position (GRCh38, 1-based): chr4:113,358,694, A>G. VCF-style: chr4-113358694-A-G. GRCh37 (hg19) VCF-style: chr4-114279850-A-G.
Other names: c.9842A>G, p.Gln3281Arg (NM_001386142.1); c.6476A>G, p.Gln2159Arg (NM_001386166.1); c.10217A>G, p.Gln3406Arg (NM_001386174.1); c.10193A>G, p.Gln3398Arg (NM_001386175.1); c.4412-2129A>G (NM_001386186.2, NM_001386148.2); c.4214-2129A>G (NM_001354269.3); c.4292-2129A>G (NM_001386187.2); c.4253-2129A>G (NM_001386147.1); and 35 more; short protein forms Q2159R, Q3281R, Q3359R, Q3406R, Q3398R.
Identifiers: ClinVar variation 5022124 (VCV005022124.1).

ClinVar aggregate classification (germline): Uncertain significance (1 of 4 stars; one submission).

Conditions:
Cardiovascular phenotype. Identifiers: MedGen CN230736.

Submission:

Ambry Genetics
Classification: Uncertain significance for Cardiovascular phenotype. Last evaluated: 2026-08-24. Review status: criteria provided, single submitter. Criteria: Ambry Variant Classification Scheme 2023. Collection method: clinical testing. Allele origin: germline.
Comment: The p.Q3359R variant (also known as c.10076A>G), located in coding exon 38 of the ANK2 gene, results from an A to G substitution at nucleotide position 10076. The glutamine at codon 3359 is replaced by arginine, an amino acid with highly similar properties. This amino acid position is conserved. In addition, this alteration is predicted to be tolerated by in silico analysis. Based on the available evidence, the clinical significance of this variant remains unclear.